The following is an entry in ClinVar:

NC_000005.10:g.112707480A>C

Genes: APC (APC regulator of Wnt signaling pathway; plus strand), LOC129994371 (ATAC-STARR-seq lymphoblastoid active region 22910; plus strand). Cytogenetic location: 5q22.2.
Variant type: single nucleotide variant.
Genome position: GRCh38 VCF-style: chr5-112707480-A-C. GRCh37 (hg19) VCF-style: chr5-112043177-A-C.
Identifiers: ClinVar variation 2729143 (VCV002729143.3), dbSNP rs1750567134, ClinGen allele CA2697546385.

ClinVar aggregate classification (germline): Uncertain significance (1 of 4 stars; one submission).

Conditions:
Familial adenomatous polyposis 1 (FAP1). Also called: FAMILIAL ADENOMATOUS POLYPOSIS 1, ATTENUATED; POLYPOSIS, ADENOMATOUS INTESTINAL. Identifiers: MedGen C2713442, MONDO:0021056, OMIM 175100. Disease mechanism: loss of function.

Submission:

Labcorp Genetics (formerly Invitae), Labcorp
Classification: Uncertain significance for Familial adenomatous polyposis 1. Last evaluated: 2022-11-22. Review status: criteria provided, single submitter. Criteria: Invitae Variant Classification Sherloc (09022015). Collection method: clinical testing. Allele origin: germline.
Comment: In summary, the available evidence is currently insufficient to determine the role of this variant in disease. Therefore, it has been classified as a Variant of Uncertain Significance. Experimental studies and prediction algorithms are not available or were not evaluated, and the functional significance of this variant is currently unknown. This variant has not been reported in the literature in individuals affected with APC-related conditions. This variant is not present in population databases (gnomAD no frequency). This variant occurs in a non-coding region of the APC gene. It does not change the encoded amino acid sequence of the APC protein.